The following is an entry in ClinVar:

NM_014991.6(WDFY3):c.7907G>C (p.Gly2636Ala)

Gene: WDFY3 (WD repeat and FYVE domain containing 3; minus strand). Cytogenetic location: 4q21.23.
Variant type: single nucleotide variant.
Coding change: c.7907G>C on transcript NM_014991.6 (MANE Select); coding-DNA position 7907, G replaced by C.
Protein change: p.Gly2636Ala; replaces glycine 2636 with alanine.
Molecular consequence: missense variant.
Genome position (GRCh38, 1-based): chr4:84,715,352, C>G on the plus strand (G>C on the coding strand, the complement: WDFY3 is on the minus strand). VCF-style: chr4-84715352-C-G. GRCh37 (hg19) VCF-style: chr4-85636505-C-G.
Other names: short protein forms G2636A.
Identifiers: ClinVar variation 4856092 (VCV004856092.1).

ClinVar aggregate classification (germline): Uncertain significance (1 of 4 stars; one submission).

Conditions:
Microcephaly 18, primary, autosomal dominant (MCPH18). Identifiers: MedGen C4479608, MONDO:0054593, OMIM 617520.

Submission:

3billion
Classification: Uncertain significance for Microcephaly 18, primary, autosomal dominant. Last evaluated: 2025-05-09. Review status: criteria provided, single submitter. Criteria: ACMG Guidelines, 2015. Collection method: clinical testing. Allele origin: germline. Affected: yes.
Comment: The variant is not observed in the gnomAD v4.1.0 dataset. Predicted Consequence/Location: Missense variant In silico tool predictions suggest damaging effect of the variant on gene or gene product [REVEL: 0.73 (>=0.6, sensitivity 0.68 and specificity 0.92); 3Cnet: 0.94 (> 0.75, sensitivity 0.96 and precision 0.92)]. Different missense changes at the same codon have been reported as of uncertain significance (ClinVar ID: VCV000985311). Therefore, this variant is classified as VUS according to the recommendation of ACMG/AMP guideline.